The following is an entry in ClinVar:

ClinVar aggregate classification (germline): Uncertain significance (1 of 4 stars; one submission).

Allele frequency attached by ClinVar (database versions not stated): gnomAD exomes below 0.00001; TOPMed 0.00001; gnomAD 0.00002.
gnomAD v4.1: 4 of 1,363,908 alleles (0.00029%); highest among the groups gnomAD compares: Non-Finnish European, 0.00037%; no homozygotes.

Submission:

CeGaT Center for Human Genetics Tuebingen
Classification: Uncertain significance. Last evaluated: 2023-08-01. Review status: criteria provided, single submitter. Criteria: CeGaT Center For Human Genetics Tuebingen Variant Classification Criteria Version 2. Collection method: clinical testing. Allele origin: germline. Affected: yes. Observed: 1 variant allele.
Comment: CDK13: PP2

NM_003718.5(CDK13):c.650G>A (p.Arg217Gln)

Gene: CDK13 (cyclin dependent kinase 13; plus strand). Cytogenetic location: 7p14.1.
Variant type: single nucleotide variant.
Coding change: c.650G>A on transcript NM_003718.5 (MANE Select); coding-DNA position 650, G replaced by A.
Protein change: p.Arg217Gln; replaces arginine 217 with glutamine.
Molecular consequence: missense variant.
Genome position (GRCh38, 1-based): chr7:39,951,291, G>A. VCF-style: chr7-39951291-G-A. GRCh37 (hg19) VCF-style: chr7-39990890-G-A.
Other names: c.650G>A, p.Arg217Gln (NM_031267.4); short protein forms R217Q.
Identifiers: ClinVar variation 2657399 (VCV002657399.24), dbSNP rs1249324349, ClinGen allele CA367310183.